The following is an entry in ClinVar:

ClinVar aggregate classification (germline): Likely pathogenic. Review status: criteria provided, single submitter (1 of 4 stars). 2 submissions from 2 submitters: Likely pathogenic (1). 1 of the submissions does not count toward it. Last evaluated 2025-06-02.

Conditions:
Grange syndrome (GRNG). Also called: GRANGE OCCLUSIVE ARTERIAL SYNDROME. Identifiers: Orphanet 79094, MedGen C1865267, MONDO:0011243, OMIM 602531.

Submissions (2):

GeneDx
Classification: Likely pathogenic. Last evaluated: 2025-06-02. Review status: criteria provided, single submitter. Criteria: GeneDx Variant Classification Process June 2021. Collection method: clinical testing. Allele origin: germline. Affected: yes.
Comment: Reported previously with another YY1AP1 variant in trans in a patient with developmental delay/intellectual disability, dysmorphic features, clinodactyly, tremor, and hyperpigmentation (PMID: 37323201); Frameshift variant predicted to result in abnormal protein length as the last 253 amino acids are replaced with 12 different amino acids, and other similar variants have been reported in HGMD; This variant is associated with the following publications: (PMID: 27939641, 36043395, 37323201)

OMIM
Classification: Pathogenic for GRANGE SYNDROME. Last evaluated: 2017-02-14. Review status: no assertion criteria provided. Collection method: literature only. Allele origin: germline. Not counted in ClinVar's aggregate classification.

Literature cited by the submitters: PubMed 16691574 (cited by OMIM); PubMed 27939641 (cited by OMIM).

NM_139119.3(YY1AP1):c.1489_1492del (p.Glu498fs)

Gene: YY1AP1 (YY1 associated protein 1; minus strand). Cytogenetic location: 1q22.
Variant type: Microsatellite.
Coding change: c.1489_1492del on transcript NM_139119.3 (MANE Select); coding-DNA positions 1489 to 1492, 4 bases deleted (TCTG; older notation c.1489_1492delTCTG).
Protein change: p.Glu498fs; shifts the reading frame from glutamic acid 498.
Molecular consequence: frameshift variant. On other transcripts: 3 prime UTR variant (1).
Genome position (GRCh38, 1-based): chr1:155,660,418-155,660,421, CAGA deleted on the plus strand (TCTG on the coding strand, the reverse complement: YY1AP1 is on the minus strand); deleting any 4 consecutive bases within chr1:155,660,418-155,660,425 gives the same sequence; the c. name uses the placement nearest the transcript's 3' end. VCF-style (leftmost placement, unchanged base first): chr1-155660417-TCAGA-T. GRCh37 (hg19) VCF-style: chr1-155630208-TCAGA-T.
Other names: c.1903_1906delTCTG (NM_001198903.1); c.1456_1459del, p.Glu487fs (NM_001198899.2, NM_001198900.2, NM_018253.4); c.1489_1492del, p.Glu498fs (NM_001198901.2, NM_001198902.2); c.1903_1906del, p.Glu636fs (NM_001198903.1); c.1843_1846del, p.Glu616fs (NM_001198904.1); c.1429_1432del, p.Glu478fs (NM_001198905.2); c.*428TCTG[1] (NM_001198906.2); c.1627_1630del, p.Glu544fs (NM_139118.3); and 1 more; short protein forms E616fs, E432fs, E478fs, E498fs, E544fs, E487fs, E636fs.
Identifiers: ClinVar variation 375641 (VCV000375641.2), dbSNP rs759089960, ClinGen allele CA1148483.